The following is an entry in ClinVar:

ClinVar aggregate classification (germline): Uncertain significance (1 of 4 stars; one submission).

Submission:

Ambry Genetics
Classification: Uncertain significance. Last evaluated: 2025-04-11. Review status: criteria provided, single submitter. Criteria: Ambry Variant Classification Scheme 2023. Collection method: clinical testing. Allele origin: germline.
Comment: The p.I227N variant (also known as c.680T>A), located in coding exon 7 of the SRP72 gene, results from a T to A substitution at nucleotide position 680. The isoleucine at codon 227 is replaced by asparagine, an amino acid with dissimilar properties. This amino acid position is conserved. In addition, the in silico prediction for this alteration is inconclusive. Based on the available evidence, the clinical significance of this variant remains unclear.

NM_006947.4(SRP72):c.680T>A (p.Ile227Asn)

Gene: SRP72 (signal recognition particle 72; plus strand). Cytogenetic location: 4q12.
Variant type: single nucleotide variant.
Coding change: c.680T>A on transcript NM_006947.4 (MANE Select); coding-DNA position 680, T replaced by A.
Protein change: p.Ile227Asn; replaces isoleucine 227 with asparagine.
Molecular consequence: missense variant. On other transcripts: non-coding transcript variant (1), intron variant (1).
Genome position (GRCh38, 1-based): chr4:56,478,416, T>A. VCF-style: chr4-56478416-T-A. GRCh37 (hg19) VCF-style: chr4-57344582-T-A.
Other names: c.642+1714T>A (NM_001267722.2); short protein forms I227N.
Identifiers: ClinVar variation 3962067 (VCV003962067.1).